The following is an entry in ClinVar:

NM_021008.4(DEAF1):c.1641del (p.Val548fs)

Gene: DEAF1 (DEAF1 transcription factor; minus strand). Cytogenetic location: 11p15.5.
Variant type: Deletion.
Coding change: c.1641del on transcript NM_021008.4 (MANE Select); coding-DNA position 1641, one base deleted (C; older notation c.1641delC).
Protein change: p.Val548fs; shifts the reading frame from valine 548.
Molecular consequence: frameshift variant.
Genome position (GRCh38, 1-based): chr11:644,607, G deleted on the plus strand (C on the coding strand, the reverse complement: DEAF1 is on the minus strand); the first of 2 consecutive G bases (chr11:644,607-644,608); deleting either gives the same sequence. VCF-style (leftmost placement, unchanged base first): chr11-644606-CG-C. GRCh37 (hg19) VCF-style: chr11-644606-CG-C.
Other names: c.915del, p.Val306fs (NM_001367390.1); c.1415delC, p.Val473Serfs (NM_001293634.2); short protein forms V548fs, V306fs, V473fs.
Identifiers: ClinVar variation 1414232 (VCV001414232.6), dbSNP rs2133262204, ClinGen allele CA2573147205.

ClinVar aggregate classification (germline): Uncertain significance (1 of 4 stars; one submission).

Submission:

Labcorp Genetics (formerly Invitae), Labcorp
Classification: Uncertain significance. Last evaluated: 2021-11-30. Review status: criteria provided, single submitter. Criteria: Invitae Variant Classification Sherloc (09022015). Collection method: clinical testing. Allele origin: germline.
Comment: This sequence change creates a premature translational stop signal (p.Val548Serfs*12) in the DEAF1 gene. While this is not anticipated to result in nonsense mediated decay, it is expected to disrupt the last 18 amino acid(s) of the DEAF1 protein. In summary, the available evidence is currently insufficient to determine the role of this variant in disease. Therefore, it has been classified as a Variant of Uncertain Significance. Experimental studies and prediction algorithms are not available or were not evaluated, and the functional significance of this variant is currently unknown. This variant has not been reported in the literature in individuals affected with DEAF1-related conditions. This variant is not present in population databases (gnomAD no frequency).